The following is an entry in ClinVar:

NM_000046.5(ARSB):c.1435C>T (p.Arg479Trp)

Gene: ARSB (arylsulfatase B; minus strand). Cytogenetic location: 5q14.1.
Variant type: single nucleotide variant.
Coding change: c.1435C>T on transcript NM_000046.5 (MANE Select); coding-DNA position 1435, C replaced by T.
Protein change: p.Arg479Trp; replaces arginine 479 with tryptophan.
Molecular consequence: missense variant.
Genome position (GRCh38, 1-based): chr5:78,780,564, G>A on the plus strand (C>T on the coding strand, the complement: ARSB is on the minus strand). VCF-style: chr5-78780564-G-A. GRCh37 (hg19) VCF-style: chr5-78076387-G-A.
Other names: short protein forms R479W.
Identifiers: ClinVar variation 951217 (VCV000951217.7), dbSNP rs758641798, ClinGen allele CA3317984.

ClinVar aggregate classification (germline): Uncertain significance. Review status: criteria provided, single submitter (1 of 4 stars). 2 submissions from 2 submitters: Uncertain significance (1). 1 of the submissions does not count toward it. Last evaluated 2021-08-27.

Conditions:
Mucopolysaccharidosis type 6 (MPS6). Also called: N-ACETYLGALACTOSAMINE-4-SULFATASE DEFICIENCY; ARSB DEFICIENCY; ARYLSULFATASE B DEFICIENCY; MPS 6; Maroteaux Lamy syndrome; MPS VI. Identifiers: Orphanet 583, MedGen C0026709, MONDO:0009661, OMIM 253200.

Allele frequency attached by ClinVar (database versions not stated): gnomAD 0.00001; ExAC 0.00002; gnomAD exomes 0.00002 and 0.00003; TOPMed 0.00002.
gnomAD v4.1: 43 of 1,613,922 alleles (0.0027%); highest among the groups gnomAD compares: South Asian, 0.013%; no homozygotes.

Submissions (2):

Labcorp Genetics (formerly Invitae), Labcorp
Classification: Uncertain significance for Mucopolysaccharidosis type 6. Last evaluated: 2021-08-27. Review status: criteria provided, single submitter. Criteria: Invitae Variant Classification Sherloc (09022015). Collection method: clinical testing. Allele origin: germline.
Comment: This sequence change replaces arginine with tryptophan at codon 479 of the ARSB protein (p.Arg479Trp). The arginine residue is weakly conserved and there is a moderate physicochemical difference between arginine and tryptophan. This variant is present in population databases (rs758641798, ExAC 0.01%). This variant has not been reported in the literature in individuals affected with ARSB-related conditions. Algorithms developed to predict the effect of missense changes on protein structure and function are either unavailable or do not agree on the potential impact of this missense change (SIFT: "Tolerated"; PolyPhen-2: "Possibly Damaging"; Align-GVGD: "Class C0"). In summary, the available evidence is currently insufficient to determine the role of this variant in disease. Therefore, it has been classified as a Variant of Uncertain Significance.

Natera, Inc.
Classification: Uncertain significance for Mucopolysaccharidosis type VI. Last evaluated: 2020-08-15. Review status: no assertion criteria provided. Collection method: clinical testing. Allele origin: germline. Not counted in ClinVar's aggregate classification.